The following is an entry in ClinVar:

NM_004304.5(ALK):c.776G>A (p.Arg259His)

Gene: ALK (ALK receptor tyrosine kinase; minus strand). Cytogenetic location: 2p23.2.
Variant type: single nucleotide variant.
Coding change: c.776G>A on transcript NM_004304.5 (MANE Select); coding-DNA position 776, G replaced by A.
Protein change: p.Arg259His; replaces arginine 259 with histidine.
Molecular consequence: missense variant.
Genome position (GRCh38, 1-based): chr2:29,717,589, C>T on the plus strand (G>A on the coding strand, the complement: ALK is on the minus strand). VCF-style: chr2-29717589-C-T. GRCh37 (hg19) VCF-style: chr2-29940455-C-T.
Other names: short protein forms R259H.
Identifiers: ClinVar variation 133469 (VCV000133469.18), dbSNP rs138686378, ClinGen allele CA156623.

ClinVar aggregate classification (germline): Benign/Likely benign. Review status: criteria provided, multiple submitters, no conflicts (2 of 4 stars). 6 submissions from 6 submitters: Benign (3); Likely benign (1). 2 of the submissions do not count toward it. Last evaluated 2026-01-30.

Conditions:
ALK-related disorder. Also called: ALK-related condition.
Hereditary cancer-predisposing syndrome. Also called: Tumor predisposition; Hereditary neoplastic syndrome; Neoplastic Syndromes, Hereditary; Hereditary Cancer Syndrome. Identifiers: Orphanet 140162, MedGen C0027672, MeSH D009386, MONDO:0015356.
Neuroblastoma, susceptibility to, 3. Also called: ALK-Related Neuroblastic Tumor Susceptibility. Identifiers: Orphanet 635, MedGen C2751681, MONDO:0013083, OMIM 613014.

Allele frequency attached by ClinVar (database versions not stated): gnomAD exomes 0.00014 and 0.00043; gnomAD 0.00096; 1000 Genomes Project 30x 0.00109; TOPMed 0.00166; 1000 Genomes Project 0.00120; ESP Exome Variant Server 0.00131.
gnomAD v4.1: 400 of 1,613,604 alleles (0.025%); highest among the groups gnomAD compares: African/African-American, 0.49%; no homozygotes.

Submissions (6):

Labcorp Genetics (formerly Invitae), Labcorp
Classification: Benign for Neuroblastoma, susceptibility to, 3. Last evaluated: 2026-01-30. Review status: criteria provided, single submitter. Criteria: Invitae Variant Classification Sherloc (09022015). Collection method: clinical testing. Allele origin: germline.

Ambry Genetics
Classification: Benign for Hereditary cancer-predisposing syndrome. Last evaluated: 2024-08-20. Review status: criteria provided, single submitter. Criteria: Ambry Variant Classification Scheme 2023. Collection method: clinical testing. Allele origin: germline.

GeneDx
Classification: Likely benign. Last evaluated: 2022-05-05. Review status: criteria provided, single submitter. Criteria: GeneDx Variant Classification Process June 2021. Collection method: clinical testing. Allele origin: germline. Affected: yes.
Comment: See Variant Classification Assertion Criteria.

Sema4
Classification: Benign for Hereditary cancer-predisposing syndrome. Last evaluated: 2021-02-23. Review status: criteria provided, single submitter. Criteria: Sema4 Curation Guidelines. Collection method: curation. Allele origin: germline.

PreventionGenetics, part of Exact Sciences
Classification: Likely benign for ALK-related condition. Last evaluated: 2020-03-17. Review status: no assertion criteria provided. Collection method: clinical testing. Allele origin: germline. Not counted in ClinVar's aggregate classification.
Comment: This variant is classified as likely benign based on ACMG/AMP sequence variant interpretation guidelines (Richards et al. 2015 PMID: 25741868, with internal and published modifications).

ITMI
No classification provided. Condition: AllHighlyPenetrant. Last evaluated: 2013-09-19. Review status: no classification provided. Collection method: reference population. Allele origin: germline. Not counted in ClinVar's aggregate classification.
Comment: Please see associated publication for description of ethnicities

Literature cited by the submitters: PubMed 24728327 (cited by ITMI).